The following is an entry in ClinVar:

ClinVar aggregate classification (germline): Uncertain significance (1 of 4 stars; one submission).

Submission:

Labcorp Genetics (formerly Invitae), Labcorp
Classification: Uncertain significance. Last evaluated: 2021-02-04. Review status: criteria provided, single submitter. Criteria: Invitae Variant Classification Sherloc (09022015). Collection method: clinical testing. Allele origin: germline.
Comment: This variant has not been reported in the literature in individuals with MUT-related conditions. This variant is not present in population databases (ExAC no frequency). This sequence change affects codon 520 of the MUT mRNA. It is a 'silent' change, meaning that it does not change the encoded amino acid sequence of the MUT protein. This variant also falls at the last nucleotide of exon 8, which is part of the consensus splice site for this exon. Nucleotide substitutions within the consensus splice site are a relatively common cause of aberrant splicing (PMID: 17576681, 9536098). Algorithms developed to predict the effect of sequence changes on RNA splicing suggest that this variant may disrupt the consensus splice site, but this prediction has not been confirmed by published transcriptional studies. In summary, the available evidence is currently insufficient to determine the role of this variant in disease. Therefore, it has been classified as a Variant of Uncertain Significance.

Literature cited by the submitters: PubMed 17576681; PubMed 9536098.

NM_000255.4(MMUT):c.1560G>A (p.Lys520=)

Gene: MMUT (methylmalonyl-CoA mutase; minus strand). Cytogenetic location: 6p12.3.
Variant type: single nucleotide variant.
Coding change: c.1560G>A on transcript NM_000255.4 (MANE Select); coding-DNA position 1560, G replaced by A.
Protein change: p.Lys520=; no amino-acid change (lysine 520 retained).
Molecular consequence: synonymous variant.
Genome position (GRCh38, 1-based): chr6:49,447,670, C>T on the plus strand (G>A on the coding strand, the complement: MMUT is on the minus strand). VCF-style: chr6-49447670-C-T. GRCh37 (hg19) VCF-style: chr6-49415383-C-T.
Identifiers: ClinVar variation 1521534 (VCV001521534.6), dbSNP rs2127416791, ClinGen allele CA450398051.